The following is an entry in ClinVar:

ClinVar aggregate classification (germline): Likely benign. Review status: criteria provided, multiple submitters, no conflicts (2 of 4 stars). 2 submissions from 2 submitters: Likely benign (2). Last evaluated 2025-08-21.

Allele frequency attached by ClinVar (database versions not stated): gnomAD 0.00002 and 0.00003; gnomAD exomes 0.00002 and 0.00003; TOPMed 0.00002; ExAC 0.00004; 1000 Genomes Project 0.00020; 1000 Genomes Project 30x 0.00031.
gnomAD v4.1: 30 of 1,572,332 alleles (0.0019%); highest among the groups gnomAD compares: Middle Eastern, 0.017%; no homozygotes.

Submissions (2):

Labcorp Genetics (formerly Invitae), Labcorp
Classification: Likely benign. Last evaluated: 2025-08-21. Review status: criteria provided, single submitter. Criteria: Invitae Variant Classification Sherloc (09022015). Collection method: clinical testing. Allele origin: germline.

CeGaT Center for Human Genetics Tuebingen
Classification: Likely benign. Last evaluated: 2025-03-01. Review status: criteria provided, single submitter. Criteria: CeGaT Center For Human Genetics Tuebingen Variant Classification Criteria Version 2. Collection method: clinical testing. Allele origin: germline. Affected: yes. Observed: 1 variant allele.
Comment: VAC14: BP4, BP7

NM_018052.5(VAC14):c.378C>T (p.Gly126=)

Gene: VAC14 (VAC14 component of PIKFYVE complex; minus strand). Cytogenetic location: 16q22.1.
Variant type: single nucleotide variant.
Coding change: c.378C>T on transcript NM_018052.5 (MANE Select); coding-DNA position 378, C replaced by T.
Protein change: p.Gly126=; no amino-acid change (glycine 126 retained).
Molecular consequence: synonymous variant. On other transcripts: 5 prime UTR variant (1).
Genome position (GRCh38, 1-based): chr16:70,785,747, G>A on the plus strand (C>T on the coding strand, the complement: VAC14 is on the minus strand). VCF-style: chr16-70785747-G-A. GRCh37 (hg19) VCF-style: chr16-70819650-G-A.
Other names: c.-325C>T (NM_001351157.2).
Identifiers: ClinVar variation 1634413 (VCV001634413.15), dbSNP rs574284363, ClinGen allele CA8148115.